The following is an entry in ClinVar:

NM_001291303.3(FAT4):c.14815G>T (p.Gly4939Cys)

Gene: FAT4 (FAT atypical cadherin 4; plus strand). Cytogenetic location: 4q28.1.
Variant type: single nucleotide variant.
Coding change: c.14815G>T on transcript NM_001291303.3 (MANE Select); coding-DNA position 14815, G replaced by T.
Protein change: p.Gly4939Cys; replaces glycine 4939 with cysteine.
Molecular consequence: missense variant.
Genome position (GRCh38, 1-based): chr4:125,491,631, G>T. VCF-style: chr4-125491631-G-T. GRCh37 (hg19) VCF-style: chr4-126412786-G-T.
Other names: c.14812G>T, p.Gly4938Cys (NM_001291285.3); c.14809G>T, p.Gly4937Cys (NM_024582.6); short protein forms G4937C, G4938C, G4939C.
Identifiers: ClinVar variation 1929124 (VCV001929124.4), dbSNP rs778778303, ClinGen allele CA3074627.

ClinVar aggregate classification (germline): Uncertain significance. Review status: criteria provided, multiple submitters, no conflicts (2 of 4 stars). 2 submissions from 2 submitters: Uncertain significance (2). Last evaluated 2025-05-14.

Conditions:
Inborn genetic diseases. Identifiers: MedGen C0950123, MeSH D030342.

gnomAD v4.1: 7 of 1,614,044 alleles (0.00043%); highest among the groups gnomAD compares: Admixed American, 0.01%; no homozygotes.

Submissions (2):

Ambry Genetics
Classification: Uncertain significance for Inborn genetic diseases. Last evaluated: 2025-05-14. Review status: criteria provided, single submitter. Criteria: Ambry Variant Classification Scheme 2023. Collection method: clinical testing. Allele origin: germline.

Labcorp Genetics (formerly Invitae), Labcorp
Classification: Uncertain significance. Last evaluated: 2022-02-19. Review status: criteria provided, single submitter. Criteria: Invitae Variant Classification Sherloc (09022015). Collection method: clinical testing. Allele origin: germline.
Comment: This sequence change replaces glycine, which is neutral and non-polar, with cysteine, which is neutral and slightly polar, at codon 4937 of the FAT4 protein (p.Gly4937Cys). This variant is present in population databases (rs778778303, gnomAD 0.01%). This variant has not been reported in the literature in individuals affected with FAT4-related conditions. Advanced modeling of protein sequence and biophysical properties (such as structural, functional, and spatial information, amino acid conservation, physicochemical variation, residue mobility, and thermodynamic stability) performed at Invitae indicates that this missense variant is not expected to disrupt FAT4 protein function. In summary, the available evidence is currently insufficient to determine the role of this variant in disease. Therefore, it has been classified as a Variant of Uncertain Significance.